The following is an entry in ClinVar:

ClinVar aggregate classification (germline): Uncertain significance (1 of 4 stars; one submission).

Allele frequency attached by ClinVar (database versions not stated): gnomAD exomes below 0.00001; gnomAD 0.00001.
gnomAD v4.1: 2 of 1,611,258 alleles (0.00012%); highest among the groups gnomAD compares: Non-Finnish European, 0.00017%; no homozygotes.

Submission:

Labcorp Genetics (formerly Invitae), Labcorp
Classification: Uncertain significance. Last evaluated: 2022-03-10. Review status: criteria provided, single submitter. Criteria: Invitae Variant Classification Sherloc (09022015). Collection method: clinical testing. Allele origin: germline.
Comment: This sequence change replaces asparagine, which is neutral and polar, with serine, which is neutral and polar, at codon 1244 of the PCDH15 protein (p.Asn1244Ser). This variant is present in population databases (no rsID available, gnomAD 0.007%). This variant has not been reported in the literature in individuals affected with PCDH15-related conditions. Algorithms developed to predict the effect of missense changes on protein structure and function are either unavailable or do not agree on the potential impact of this missense change (SIFT: "Tolerated"; PolyPhen-2: "Probably Damaging"; Align-GVGD: "Class C0"). Algorithms developed to predict the effect of sequence changes on RNA splicing suggest that this variant may create or strengthen a splice site. In summary, the available evidence is currently insufficient to determine the role of this variant in disease. Therefore, it has been classified as a Variant of Uncertain Significance.

NM_001384140.1(PCDH15):c.3731A>G (p.Asn1244Ser)

Gene: PCDH15 (protocadherin related 15; minus strand). Cytogenetic location: 10q21.1.
Variant type: single nucleotide variant.
Coding change: c.3731A>G on transcript NM_001384140.1 (MANE Select); coding-DNA position 3731, A replaced by G.
Protein change: p.Asn1244Ser; replaces asparagine 1244 with serine.
Molecular consequence: missense variant.
Genome position (GRCh38, 1-based): chr10:53,857,250, T>C on the plus strand (A>G on the coding strand, the complement: PCDH15 is on the minus strand). VCF-style: chr10-53857250-T-C. GRCh37 (hg19) VCF-style: chr10-55617010-T-C.
Other names: c.3746A>G, p.Asn1249Ser (NM_001142763.2, NM_001142771.2); c.3731A>G, p.Asn1244Ser (NM_001142764.2, NM_001142766.2, NM_001142770.3 and 4 more transcripts); c.3518A>G, p.Asn1173Ser (NM_001142765.2); c.3620A>G, p.Asn1207Ser (NM_001142767.2); c.3665A>G, p.Asn1222Ser (NM_001142768.2, NM_001142773.2, NM_001354404.2); c.3767A>G, p.Asn1256Ser (NM_001142769.4); c.3752A>G, p.Asn1251Ser (NM_001354411.2); short protein forms N1249S, N1173S, N1251S, N1207S, N1222S, N1256S, N1244S.
Identifiers: ClinVar variation 1468953 (VCV001468953.3), dbSNP rs1264819441, ClinGen allele CA376514412.